The following is an entry in ClinVar:

ClinVar aggregate classification (germline): Uncertain significance (1 of 4 stars; one submission).

gnomAD v4.1: 2 of 1,614,152 alleles (0.00012%); highest among the groups gnomAD compares: Non-Finnish European, 0.00017%; no homozygotes.

Submission:

Labcorp Genetics (formerly Invitae), Labcorp
Classification: Uncertain significance. Last evaluated: 2024-02-08. Review status: criteria provided, single submitter. Criteria: Invitae Variant Classification Sherloc (09022015). Collection method: clinical testing. Allele origin: germline.
Comment: This sequence change replaces glutamic acid, which is acidic and polar, with glutamine, which is neutral and polar, at codon 2612 of the SRCAP protein (p.Glu2612Gln). This variant is not present in population databases (gnomAD no frequency). This variant has not been reported in the literature in individuals affected with SRCAP-related conditions. Advanced modeling of protein sequence and biophysical properties (such as structural, functional, and spatial information, amino acid conservation, physicochemical variation, residue mobility, and thermodynamic stability) performed at Invitae indicates that this missense variant is not expected to disrupt SRCAP protein function with a negative predictive value of 80%. In summary, the available evidence is currently insufficient to determine the role of this variant in disease. Therefore, it has been classified as a Variant of Uncertain Significance.

NM_006662.3(SRCAP):c.7834G>C (p.Glu2612Gln)

Gene: SRCAP (Snf2 related CREBBP activator protein; plus strand). Cytogenetic location: 16p11.2.
Variant type: single nucleotide variant.
Coding change: c.7834G>C on transcript NM_006662.3 (MANE Select); coding-DNA position 7834, G replaced by C.
Protein change: p.Glu2612Gln; replaces glutamic acid 2612 with glutamine.
Molecular consequence: missense variant.
Genome position (GRCh38, 1-based): chr16:30,737,874, G>C. VCF-style: chr16-30737874-G-C. GRCh37 (hg19) VCF-style: chr16-30749195-G-C.
Other names: short protein forms E2612Q.
Identifiers: ClinVar variation 3672811 (VCV003672811.2).